The following is an entry in ClinVar:

NM_000059.4(BRCA2):c.9690A>T (p.Leu3230Phe)

Gene: BRCA2 (BRCA2 DNA repair associated; plus strand). Cytogenetic location: 13q13.1.
Variant type: single nucleotide variant.
Coding change: c.9690A>T on transcript NM_000059.4 (MANE Select); coding-DNA position 9690, A replaced by T.
Protein change: p.Leu3230Phe; replaces leucine 3230 with phenylalanine.
Molecular consequence: missense variant.
Genome position (GRCh38, 1-based): chr13:32,398,203, A>T. VCF-style: chr13-32398203-A-T. GRCh37 (hg19) VCF-style: chr13-32972340-A-T.
Other names: short protein forms L3230F.
Identifiers: ClinVar variation 52891 (VCV000052891.26), dbSNP rs80359238, ClinGen allele CA026269.

ClinVar aggregate classification (germline): Conflicting classifications of pathogenicity. Review status: criteria provided, conflicting classifications (1 of 4 stars). 9 submissions from 9 submitters: Uncertain significance (6); Likely benign (1). 2 of the submissions do not count toward it. Last evaluated 2026-02-03.

Conditions:
Hereditary breast ovarian cancer syndrome. Also called: Hereditary breast and ovarian cancer syndrome; Hereditary breast and ovarian cancer; Hereditary breast and ovarian cancer syndrome (HBOC); Breast and ovarian cancer; Hereditary breast and/or ovarian cancer syndrome; BRCA1- and BRCA2-Associated Hereditary Breast and Ovarian Cancer. Identifiers: Orphanet 145, MedGen C0677776, MeSH D061325, MONDO:0003582. Disease mechanism: loss of function.
Hereditary cancer-predisposing syndrome. Also called: Neoplastic Syndromes, Hereditary; Tumor predisposition; Hereditary neoplastic syndrome; Hereditary Cancer Syndrome. Identifiers: Orphanet 140162, MedGen C0027672, MeSH D009386, MONDO:0015356.
BRCA2-related cancer predisposition. Identifiers: MedGen CN377758, MONDO:0700269.
Breast-ovarian cancer, familial, susceptibility to, 2 (BROVCA2). Also called: BRCA2 Hereditary Breast and Ovarian Cancer. Identifiers: Orphanet 145, MedGen C2675520, MONDO:0012933, OMIM 612555. Disease mechanism: loss of function.
Familial cancer of breast. Also called: BREAST CANCER, FAMILIAL; Hereditary breast cancer; hereditary breast carcinoma. Identifiers: Orphanet 227535, MedGen C0346153, MONDO:0016419, OMIM 114480. Disease mechanism: loss of function.

Allele frequency attached by ClinVar (database versions not stated): gnomAD exomes below 0.00001 and 0.00001; gnomAD 0.00001; 1000 Genomes Project 0.00020; 1000 Genomes Project 30x 0.00031.
gnomAD v4.1: 5 of 1,612,310 alleles (0.00031%); highest among the groups gnomAD compares: East Asian, 0.011%; no homozygotes.

Submissions (9):

Labcorp Genetics (formerly Invitae), Labcorp
Classification: Uncertain significance for Hereditary breast ovarian cancer syndrome. Last evaluated: 2026-02-03. Review status: criteria provided, single submitter. Criteria: Invitae Variant Classification Sherloc (09022015). Collection method: clinical testing. Allele origin: germline.
Comment: This sequence change replaces leucine, which is neutral and non-polar, with phenylalanine, which is neutral and non-polar, at codon 3230 of the BRCA2 protein (p.Leu3230Phe). This variant is present in population databases (rs80359238, gnomAD 0.01%). This missense change has been observed in individual(s) with personal and/or family history of breast and ovarian cancer (PMID: 32068069). ClinVar contains an entry for this variant (Variation ID: 52891). Invitae Evidence Modeling of protein sequence and biophysical properties (such as structural, functional, and spatial information, amino acid conservation, physicochemical variation, residue mobility, and thermodynamic stability) indicates that this missense variant is not expected to disrupt BRCA2 protein function with a negative predictive value of 95%. In summary, the available evidence is currently insufficient to determine the role of this variant in disease. Therefore, it has been classified as a Variant of Uncertain Significance.

All of Us Research Program, National Institutes of Health
Classification: Uncertain significance for BRCA2-related cancer predisposition. Last evaluated: 2024-05-30. Review status: criteria provided, single submitter. Criteria: ACMG Guidelines, 2015. Collection method: clinical testing. Allele origin: germline. Inheritance: Autosomal dominant inheritance. Observed: 2 variant alleles, 2 heterozygotes.
Comment: This missense variant replaces leucine with phenylalanine at codon 3230 of the BRCA2 protein. Computational prediction suggests that this variant may not impact protein structure and function. To our knowledge, functional studies have not been reported for this variant. This variant has been reported in individuals affected with breast or ovarian cancer (PMID: 32068069, 33471991) and in an unaffected individual (PMID: 33471991; Leiden Open Variation Database DB-ID BRCA2_008789). This variant has been identified in 2/250142 chromosomes in the general population by the Genome Aggregation Database (gnomAD). The available evidence is insufficient to determine the role of this variant in disease conclusively. Therefore, this variant is classified as a Variant of Uncertain Significance.

This study involves interpretation of variants in research participants for the purpose of population health screening. Participant phenotype was not available at the time of variant classification. Additional details can be found in publication PMID: 35346344, PMCID: PMC8962531

Color Diagnostics, LLC DBA Color Health
Classification: Uncertain significance for Hereditary cancer-predisposing syndrome. Last evaluated: 2024-05-16. Review status: criteria provided, single submitter. Criteria: ACMG Guidelines, 2015. Collection method: clinical testing. Allele origin: germline.
Comment: This missense variant replaces leucine with phenylalanine at codon 3230 of the BRCA2 protein. Computational prediction suggests that this variant may not impact protein structure and function. To our knowledge, functional studies have not been reported for this variant. This variant has been reported in individuals affected with breast or ovarian cancer (PMID: 32068069, 33471991) and in an unaffected individual (PMID: 33471991; Leiden Open Variation Database DB-ID BRCA2_008789). This variant has been identified in 2/250142 chromosomes in the general population by the Genome Aggregation Database (gnomAD). The available evidence is insufficient to determine the role of this variant in disease conclusively. Therefore, this variant is classified as a Variant of Uncertain Significance.

Ambry Genetics
Classification: Likely benign for Hereditary cancer-predisposing syndrome. Last evaluated: 2024-01-23. Review status: criteria provided, single submitter. Criteria: Ambry Variant Classification Scheme 2023. Collection method: clinical testing. Allele origin: germline.

Quest Diagnostics Nichols Institute San Juan Capistrano
Classification: Uncertain significance. Last evaluated: 2024-01-17. Review status: criteria provided, single submitter. Criteria: Quest Diagnostics criteria. Collection method: clinical testing. Allele origin: unknown.
Comment: The BRCA2 c.9690A>T (p.Leu3230Phe) variant has been reported in the published literature in in individuals with breast cancer (PMID: 32068069 (2020), 33471991 (2021), see also LOVD). This variant has also been identified in reportedly healthy individuals (PMID: 32467295 (2020), 33471991 (2021), see also LOVD). The frequency of this variant in the general population, 0.000008 (2/250142 chromosomes (Genome Aggregation Database)), is uninformative in the assessment of its pathogenicity. Analysis of this variant using bioinformatics tools (i.e., MutationTaster and PolyPhen-2) for the prediction of the effect of amino acid changes on protein structure and function yielded conflicting predictions that this variant is benign or damaging. Based on the available information, we are unable to determine the clinical significance of this variant.

Department of Pathology and Laboratory Medicine, Sinai Health System
Classification: Uncertain significance for Familial cancer of breast; Breast-ovarian cancer, familial, susceptibility to, 2. Last evaluated: 2023-05-10. Review status: criteria provided, single submitter. Criteria: ACMG Guidelines, 2015. Collection method: clinical testing. Allele origin: germline. Affected: yes.

Women's Health and Genetics/Laboratory Corporation of America, LabCorp
Classification: Uncertain significance. Last evaluated: 2023-02-28. Review status: criteria provided, single submitter. Criteria: LabCorp Variant Classification Summary - May 2015. Collection method: clinical testing. Allele origin: germline.
Comment: Variant summary: BRCA2 c.9690A>T (p.Leu3230Phe) results in a non-conservative amino acid change in the encoded protein sequence. Three of five in-silico tools predict a benign effect of the variant on protein function. The variant allele was found at a frequency of 8e-06 in 250142 control chromosomes (gnomAD). The available data on variant occurrences in the general population are insufficient to allow any conclusion about variant significance. c.9690A>T has been reported in the literature in an individual who underwent cancer panel testing however, authors classified the variant as VUS (exampe: Kwong_2020). These report(s) do not provide unequivocal conclusions about association of the variant with Hereditary Breast And Ovarian Cancer Syndrome. To our knowledge, no experimental evidence demonstrating an impact on protein function has been reported. Five clinical diagnostic laboratories have submitted clinical-significance assessments for this variant to ClinVar after 2014 annd all classified the variant as uncertain significance. Based on the evidence outlined above, the variant was classified as uncertain significance.

Counsyl
Classification: Uncertain significance for Breast-ovarian cancer, familial, susceptibility to, 2. Last evaluated: 2017-07-06. Review status: no assertion criteria provided. Collection method: clinical testing. Allele origin: unknown. Not counted in ClinVar's aggregate classification.

Breast Cancer Information Core (BIC) (BRCA2)
Classification: Uncertain significance for Breast-ovarian cancer, familial 2. Last evaluated: 2004-02-20. Review status: no assertion criteria provided. Collection method: clinical testing. Allele origin: germline. Affected: yes. Observed: 1 variant allele. Not counted in ClinVar's aggregate classification.

Literature cited by the submitters: PubMed 32068069 (cited by 6 submitters); PubMed 33471991 (cited by 5 submitters); PubMed 32467295 (cited by Quest Diagnostics Nichols Institute San Juan Capistrano).